The following is an entry in ClinVar:

ClinVar aggregate classification (germline): Uncertain significance (1 of 4 stars; one submission).

Conditions:
Hypertrophic cardiomyopathy. Also called: HYPERTROPHIC MYOCARDIOPATHY. Identifiers: Orphanet 217569, MedGen C0007194, MeSH D002312, MONDO:0005045, HP:0001639.

Submission:

Labcorp Genetics (formerly Invitae), Labcorp
Classification: Uncertain significance for Hypertrophic cardiomyopathy. Last evaluated: 2023-09-18. Review status: criteria provided, single submitter. Criteria: Invitae Variant Classification Sherloc (09022015). Collection method: clinical testing. Allele origin: germline.
Comment: This variant results in the deletion of part of exon 8 (c.549+774_628del) of the TNNI3 gene. While this variant is not anticipated to result in nonsense mediated decay, it likely alters RNA splicing and results in a disrupted protein product. This variant has not been reported in the literature in individuals affected with TNNI3-related conditions. Variants that disrupt the consensus splice site are a relatively common cause of aberrant splicing (PMID: 17576681, 9536098). In summary, the available evidence is currently insufficient to determine the role of this variant in disease. Therefore, it has been classified as a Variant of Uncertain Significance.

Literature cited by the submitters: PubMed 17576681; PubMed 9536098.

NC_000019.9:g.(?_55663207)_(55664624_?)del

Gene: TNNI3 (troponin I3, cardiac type; minus strand). Cytogenetic location: 19q13.42.
Variant type: Deletion.
Identifiers: ClinVar variation 2422963 (VCV002422963.4).